The following is an entry in ClinVar:

ClinVar aggregate classification (germline): Uncertain significance. Review status: criteria provided, multiple submitters, no conflicts (2 of 4 stars). 2 submissions from 2 submitters: Uncertain significance (2). Last evaluated 2024-04-23.

Conditions:
Inborn genetic diseases. Identifiers: MedGen C0950123, MeSH D030342.

Allele frequency attached by ClinVar (database versions not stated): ESP Exome Variant Server 0.00008.
gnomAD v4.1: 30 of 1,612,524 alleles (0.0019%); highest among the groups gnomAD compares: African/African-American, 0.0027%; no homozygotes.

Submissions (2):

Ambry Genetics
Classification: Uncertain significance for Inborn genetic diseases. Last evaluated: 2024-04-23. Review status: criteria provided, single submitter. Criteria: Ambry Variant Classification Scheme 2023. Collection method: clinical testing. Allele origin: germline.

Labcorp Genetics (formerly Invitae), Labcorp
Classification: Uncertain significance. Last evaluated: 2022-06-27. Review status: criteria provided, single submitter. Criteria: Invitae Variant Classification Sherloc (09022015). Collection method: clinical testing. Allele origin: germline.
Comment: This sequence change replaces serine, which is neutral and polar, with leucine, which is neutral and non-polar, at codon 480 of the UNC45A protein (p.Ser480Leu). This variant is present in population databases (rs376093795, gnomAD 0.003%). This variant has not been reported in the literature in individuals affected with UNC45A-related conditions. Algorithms developed to predict the effect of missense changes on protein structure and function are either unavailable or do not agree on the potential impact of this missense change (SIFT: "Not Available"; PolyPhen-2: "Benign"; Align-GVGD: "Not Available"). In summary, the available evidence is currently insufficient to determine the role of this variant in disease. Therefore, it has been classified as a Variant of Uncertain Significance.

NM_018671.5(UNC45A):c.1439C>T (p.Ser480Leu)

Gene: UNC45A (unc-45 myosin chaperone A; plus strand). Cytogenetic location: 15q26.1.
Variant type: single nucleotide variant.
Coding change: c.1439C>T on transcript NM_018671.5 (MANE Select); coding-DNA position 1439, C replaced by T.
Protein change: p.Ser480Leu; replaces serine 480 with leucine.
Molecular consequence: missense variant.
Genome position (GRCh38, 1-based): chr15:90,946,853, C>T. VCF-style: chr15-90946853-C-T. GRCh37 (hg19) VCF-style: chr15-91490083-C-T.
Other names: c.1394C>T, p.Ser465Leu (NM_001039675.2, NM_001323621.2); c.1439C>T, p.Ser480Leu (NM_001323619.1); c.1004C>T, p.Ser335Leu (NM_001323620.2); c.1439C>T (NM_018671.3); short protein forms S465L, S335L, S480L.
Identifiers: ClinVar variation 1520080 (VCV001520080.6), dbSNP rs376093795, ClinGen allele CA7742901.